The following is an entry in ClinVar:

ClinVar aggregate classification (germline): Uncertain significance (1 of 4 stars; one submission).

Conditions:
Hereditary cancer-predisposing syndrome. Also called: Tumor predisposition; Hereditary Cancer Syndrome; Neoplastic Syndromes, Hereditary; Hereditary neoplastic syndrome. Identifiers: Orphanet 140162, MedGen C0027672, MeSH D009386, MONDO:0015356.

Submission:

Ambry Genetics
Classification: Uncertain significance for Hereditary cancer-predisposing syndrome. Last evaluated: 2022-03-28. Review status: criteria provided, single submitter. Criteria: Ambry Variant Classification Scheme 2023. Collection method: clinical testing. Allele origin: germline.
Comment: The c.2561-5T>C intronic variant results from a T to C substitution 5 nucleotides upstream from coding exon 16 in the PTCH1 gene. This nucleotide position is well conserved in available vertebrate species. In silico splice site analysis predicts that this alteration will not have any significant effect on splicing. Since supporting evidence is limited at this time, the clinical significance of this alteration remains unclear.

NM_000264.5(PTCH1):c.2561-5T>C

Gene: PTCH1 (patched 1; minus strand). Cytogenetic location: 9q22.32.
Variant type: single nucleotide variant.
Coding change: c.2561-5T>C on transcript NM_000264.5 (MANE Select); 5 bases into the intron before coding-DNA position 2561, T replaced by C.
Molecular consequence: intron variant.
Genome position (GRCh38, 1-based): chr9:95,462,003, A>G on the plus strand (T>C on the coding strand, the complement: PTCH1 is on the minus strand). VCF-style: chr9-95462003-A-G. GRCh37 (hg19) VCF-style: chr9-98224285-A-G.
Other names: c.2558-5T>C (NM_001083603.3); c.2363-5T>C (NM_001083602.3); c.2405-5T>C (NM_001354918.2); c.2108-5T>C (NM_001083605.3, NM_001083604.3, NM_001083606.3 and 1 more transcripts).
Identifiers: ClinVar variation 1793114 (VCV001793114.2), dbSNP rs2136690070, ClinGen allele CA2580080806.